The following is an entry in ClinVar:

NM_000521.4(HEXB):c.1216C>T (p.Gln406Ter)

Gene: HEXB (hexosaminidase subunit beta; plus strand). Cytogenetic location: 5q13.3.
Variant type: single nucleotide variant.
Coding change: c.1216C>T on transcript NM_000521.4 (MANE Select); coding-DNA position 1216, C replaced by T.
Protein change: p.Gln406Ter; replaces glutamine 406 with a stop codon.
Molecular consequence: nonsense.
Genome position (GRCh38, 1-based): chr5:74,718,337, C>T. VCF-style: chr5-74718337-C-T. GRCh37 (hg19) VCF-style: chr5-74014162-C-T.
Other names: c.541C>T, p.Gln181Ter (NM_001292004.2); short protein forms Q181*, Q406*.
Identifiers: ClinVar variation 1971246 (VCV001971246.5), dbSNP rs754468217, ClinGen allele CA3306067.
Genomic context (GRCh38, chr5:74,718,337, plus strand): 5'-TTTTGTAATACTAGGGTTTTGGATATTATTGCAACCATAAACAAGGGATCCATTGTCTGG[C>T]AGGAGGTTTTTGATGATAAAGCAAAGGTGAGCATTGTGAAGACTGCATCTGATCAATATA-3'

ClinVar aggregate classification (germline): Pathogenic (1 of 4 stars; one submission).

Conditions:
Sandhoff disease. Also called: Beta-hexosaminidase-beta-subunit deficiency; GM2 gangliosidosis, type 2; Total hexosaminidase deficiency; Sandhoff-Jatzkewitz-Pilz disease; GM2-GANGLIOSIDOSIS, TYPE II; HEXOSAMINIDASES A AND B DEFICIENCY. Identifiers: Orphanet 796, MedGen C0036161, MONDO:0010006, OMIM 268800.

Allele frequency attached by ClinVar (database versions not stated): TOPMed below 0.00001; ExAC 0.00001.
gnomAD v4.1: 1 of 1,611,800 alleles (0.000062%); highest among the groups gnomAD compares: Non-Finnish European, 0.000085%; no homozygotes.

Submission:

Labcorp Genetics (formerly Invitae), Labcorp
Classification: Pathogenic for Sandhoff disease. Last evaluated: 2022-01-19. Review status: criteria provided, single submitter. Criteria: Invitae Variant Classification Sherloc (09022015). Collection method: clinical testing. Allele origin: germline.
Comment: This sequence change creates a premature translational stop signal (p.Gln406*) in the HEXB gene. It is expected to result in an absent or disrupted protein product. Loss-of-function variants in HEXB are known to be pathogenic (PMID: 7550345, 18758829). This variant is present in population databases (rs754468217, gnomAD 0.0009%). For these reasons, this variant has been classified as Pathogenic. Algorithms developed to predict the effect of sequence changes on RNA splicing suggest that this variant may create or strengthen a splice site. This variant has not been reported in the literature in individuals affected with HEXB-related conditions.

Literature cited by the submitters: PubMed 7550345; PubMed 18758829.